The following is an entry in ClinVar:

NM_000350.3(ABCA4):c.2966T>G (p.Val989Gly)

Gene: ABCA4 (ATP binding cassette subfamily A member 4; minus strand). Cytogenetic location: 1p22.1.
Variant type: single nucleotide variant.
Coding change: c.2966T>G on transcript NM_000350.3 (MANE Select); coding-DNA position 2966, T replaced by G.
Protein change: p.Val989Gly; replaces valine 989 with glycine.
Molecular consequence: missense variant.
Genome position (GRCh38, 1-based): chr1:94,044,697, A>C on the plus strand (T>G on the coding strand, the complement: ABCA4 is on the minus strand). VCF-style: chr1-94044697-A-C. GRCh37 (hg19) VCF-style: chr1-94510253-A-C.
Other names: c.2744T>G, p.Val915Gly (NM_001425324.1); short protein forms V915G, V989G.
Identifiers: ClinVar variation 3673271 (VCV003673271.2).
Genomic context (GRCh38, chr1:94,044,697, plus strand): 5'-GGACACATGCCAAGGCTCTGCCGGACTGCATCCAGGCTGGTTTCAATGTCCCTTCCCCCA[A>C]CGAGCACAGTCCCAGAGGTTGGTGGCAACAGACCCGTCAGGATGGACCTGCAGAACACAG-3'
Protein context (NP_000341.2, residues 979-999): LLPPTSGTVL[Val989Gly]GGRDIETSLD

ClinVar aggregate classification (germline): Likely pathogenic (1 of 4 stars; one submission).

Submission:

Labcorp Genetics (formerly Invitae), Labcorp
Classification: Likely pathogenic. Last evaluated: 2024-03-21. Review status: criteria provided, single submitter. Criteria: Invitae Variant Classification Sherloc (09022015). Collection method: clinical testing. Allele origin: germline.
Comment: This sequence change replaces valine, which is neutral and non-polar, with glycine, which is neutral and non-polar, at codon 989 of the ABCA4 protein (p.Val989Gly). This variant is not present in population databases (gnomAD no frequency). This variant has not been reported in the literature in individuals affected with ABCA4-related conditions. Advanced modeling of protein sequence and biophysical properties (such as structural, functional, and spatial information, amino acid conservation, physicochemical variation, residue mobility, and thermodynamic stability) performed at Invitae indicates that this missense variant is expected to disrupt ABCA4 protein function with a positive predictive value of 95%. This variant disrupts the p.Val989 amino acid residue in ABCA4. Other variant(s) that disrupt this residue have been determined to be pathogenic (PMID: 22247458, 23755871, 25066811). This suggests that this residue is clinically significant, and that variants that disrupt this residue are likely to be disease-causing. In summary, the currently available evidence indicates that the variant is pathogenic, but additional data are needed to prove that conclusively. Therefore, this variant has been classified as Likely Pathogenic.

Literature cited by the submitters: PubMed 22247458; PubMed 23755871; PubMed 25066811.